The following is an entry in ClinVar:

NM_001394062.1(MACF1):c.14827C>T (p.Leu4943=)

Genes: MACF1 (microtubule actin crosslinking factor 1; plus strand), LOC114803468 (MACF1 eExon liver enhancer; plus strand). Cytogenetic location: 1p34.3.
Variant type: single nucleotide variant.
Coding change: c.14827C>T on transcript NM_001394062.1 (MANE Select); coding-DNA position 14827, C replaced by T.
Protein change: p.Leu4943=; no amino-acid change (leucine 4943 retained).
Molecular consequence: synonymous variant.
Genome position (GRCh38, 1-based): chr1:39,387,669, C>T. VCF-style: chr1-39387669-C-T. GRCh37 (hg19) VCF-style: chr1-39853341-C-T.
Other names: c.8641C>T, p.Leu2881= (NM_012090.5).
Identifiers: ClinVar variation 3036293 (VCV003036293.3), dbSNP rs146321347, ClinGen allele CA782312.

ClinVar aggregate classification (germline): Likely benign. Review status: criteria provided, single submitter (1 of 4 stars). 2 submissions from 2 submitters: Likely benign (1). 1 of the submissions does not count toward it. Last evaluated 2023-10-06.

Conditions:
MACF1-related disorder. Also called: MACF1-related condition.

Allele frequency attached by ClinVar (database versions not stated): ExAC 0.00008; gnomAD 0.00017; TOPMed 0.00017; ESP Exome Variant Server 0.00038; 1000 Genomes Project 30x 0.00047; 1000 Genomes Project 0.00060.

Submissions (2):

Blueprint Genetics
Classification: Likely benign. Last evaluated: 2023-10-06. Review status: criteria provided, single submitter. Criteria: ACMG Guidelines, 2015. Collection method: clinical testing. Allele origin: germline.

PreventionGenetics, part of Exact Sciences
Classification: Likely benign for MACF1-related condition. Last evaluated: 2020-06-15. Review status: no assertion criteria provided. Collection method: clinical testing. Allele origin: germline. Not counted in ClinVar's aggregate classification.
Comment: This variant is classified as likely benign based on ACMG/AMP sequence variant interpretation guidelines (Richards et al. 2015 PMID: 25741868, with internal and published modifications).